The following is an entry in ClinVar:

ClinVar aggregate classification (germline): Uncertain significance. Review status: criteria provided, multiple submitters, no conflicts (2 of 4 stars). 3 submissions from 3 submitters: Uncertain significance (3). Last evaluated 2025-10-27.

Conditions:
Renal cell carcinoma. Identifiers: Orphanet 217071, MedGen C0007134, MeSH D002292, MONDO:0005086, HP:0005584.
Hereditary cancer-predisposing syndrome. Also called: Tumor predisposition; Hereditary neoplastic syndrome; Neoplastic Syndromes, Hereditary; Hereditary Cancer Syndrome. Identifiers: Orphanet 140162, MedGen C0027672, MeSH D009386, MONDO:0015356.

Allele frequency attached by ClinVar (database versions not stated): gnomAD 0.00001; gnomAD exomes 0.00001; TOPMed 0.00002.
gnomAD v4.1: 10 of 1,613,966 alleles (0.00062%); highest among the groups gnomAD compares: African/African-American, 0.004%; no homozygotes.

Submissions (3):

Ambry Genetics
Classification: Uncertain significance for Hereditary cancer-predisposing syndrome. Last evaluated: 2025-10-27. Review status: criteria provided, single submitter. Criteria: Ambry Variant Classification Scheme 2023. Collection method: clinical testing. Allele origin: germline.
Comment: The p.R426H variant (also known as c.1277G>A), located in coding exon 2 of the MET gene, results from a G to A substitution at nucleotide position 1277. The arginine at codon 426 is replaced by histidine, an amino acid with highly similar properties. This amino acid position is highly conserved in available vertebrate species. In addition, the in silico prediction for this alteration is inconclusive. Since supporting evidence is limited at this time, the clinical significance of this alteration remains unclear.

Labcorp Genetics (formerly Invitae), Labcorp
Classification: Uncertain significance for Renal cell carcinoma. Last evaluated: 2025-10-23. Review status: criteria provided, single submitter. Criteria: Invitae Variant Classification Sherloc (09022015). Collection method: clinical testing. Allele origin: germline.
Comment: This sequence change replaces arginine, which is basic and polar, with histidine, which is basic and polar, at codon 426 of the MET protein (p.Arg426His). This variant is not present in population databases (gnomAD no frequency). This variant has not been reported in the literature in individuals affected with MET-related conditions. ClinVar contains an entry for this variant (Variation ID: 818778). Invitae Evidence Modeling of protein sequence and biophysical properties (such as structural, functional, and spatial information, amino acid conservation, physicochemical variation, residue mobility, and thermodynamic stability) indicates that this missense variant is expected to disrupt MET protein function with a positive predictive value of 80%. In summary, the available evidence is currently insufficient to determine the role of this variant in disease. Therefore, it has been classified as a Variant of Uncertain Significance.

Quest Diagnostics Nichols Institute San Juan Capistrano
Classification: Uncertain significance. Last evaluated: 2025-03-31. Review status: criteria provided, single submitter. Criteria: Quest Diagnostics criteria. Collection method: clinical testing. Allele origin: unknown.

NM_000245.4(MET):c.1277G>A (p.Arg426His)

Gene: MET (MET proto-oncogene, receptor tyrosine kinase; plus strand). Cytogenetic location: 7q31.2.
Variant type: single nucleotide variant.
Coding change: c.1277G>A on transcript NM_000245.4 (MANE Select); coding-DNA position 1277, G replaced by A.
Protein change: p.Arg426His; replaces arginine 426 with histidine.
Molecular consequence: missense variant. On other transcripts: 5 prime UTR variant (1).
Genome position (GRCh38, 1-based): chr7:116,731,744, G>A. VCF-style: chr7-116731744-G-A. GRCh37 (hg19) VCF-style: chr7-116371798-G-A.
Other names: c.1277G>A, p.Arg426His (NM_001127500.3, NM_001324401.3); c.-14G>A (NM_001324402.2); c.1277G>A (NM_001127500.2); short protein forms R426H.
Identifiers: ClinVar variation 818778 (VCV000818778.12), dbSNP rs986139438, ClinGen allele CA164865902.